The following is an entry in ClinVar:

ClinVar aggregate classification (germline): Pathogenic (1 of 4 stars; one submission).

Submission:

CeGaT Center for Human Genetics Tuebingen
Classification: Pathogenic. Last evaluated: 2025-02-01. Review status: criteria provided, single submitter. Criteria: CeGaT Center For Human Genetics Tuebingen Variant Classification Criteria Version 2. Collection method: clinical testing. Allele origin: germline. Affected: yes. Observed: 3 variant alleles.
Comment: POGZ: PVS1, PM2

NM_015100.4(POGZ):c.771del (p.Thr258fs)

Gene: POGZ (pogo transposable element derived with ZNF domain; minus strand). Cytogenetic location: 1q21.3.
Variant type: Deletion.
Coding change: c.771del on transcript NM_015100.4 (MANE Select); coding-DNA position 771, one base deleted (C; older notation c.771delC).
Protein change: p.Thr258fs; shifts the reading frame from threonine 258.
Molecular consequence: frameshift variant.
Genome position (GRCh38, 1-based): chr1:151,428,211, G deleted on the plus strand (C on the coding strand, the reverse complement: POGZ is on the minus strand); the first of 2 consecutive G bases (chr1:151,428,211-151,428,212); deleting either gives the same sequence. VCF-style (leftmost placement, unchanged base first): chr1-151428210-TG-T. GRCh37 (hg19) VCF-style: chr1-151400686-TG-T.
Other names: c.771del, p.Thr258fs (NM_001194937.2); c.612del, p.Thr205fs (NM_001194938.2, NM_207171.2); c.792del, p.Thr265fs (NM_001410860.1); c.486del, p.Thr163fs (NM_145796.4); short protein forms T163fs, T205fs, T258fs, T265fs.
Identifiers: ClinVar variation 3772534 (VCV003772534.13).